The following is an entry in ClinVar:

NM_033641.4(COL4A6):c.2027C>A (p.Pro676His)

Gene: COL4A6 (collagen type IV alpha 6 chain; minus strand). Cytogenetic location: Xq22.3.
Variant type: single nucleotide variant.
Coding change: c.2027C>A on transcript NM_033641.4 (MANE Select); coding-DNA position 2027, C replaced by A.
Protein change: p.Pro676His; replaces proline 676 with histidine.
Molecular consequence: missense variant.
Genome position (GRCh38, 1-based): chrX:108,180,619, G>T on the plus strand (C>A on the coding strand, the complement: COL4A6 is on the minus strand). VCF-style: chrX-108180619-G-T. GRCh37 (hg19) VCF-style: chrX-107423849-G-T.
Other names: c.2078C>A, p.Pro693His (NM_001287758.2); c.2027C>A, p.Pro676His (NM_001287759.2, NM_001287760.2); c.2030C>A, p.Pro677His (NM_001847.4); c.2030C>A (NM_001847.2); short protein forms P693H, P676H, P677H.
Identifiers: ClinVar variation 1445583 (VCV001445583.9), dbSNP rs373883169, ClinGen allele CA10487697.
Genomic context (GRCh38, chrX:108,180,619, plus strand): 5'-CCTTTACTTCCACTTGACCCAGGCTGGCCTGGGGTCCCAGGGAGGCCTCGAGACCCTTTA[G>T]GGCCTGAAAACCCAAATGTAAGCAATGAGGGGAAAGGAAAGTCGGTGTGCTAGGTATGAT-3'
Protein context (NP_378667.1, residues 666-686): GFPGTPGFPG[Pro676His]KGSRGLPGTP

ClinVar aggregate classification (germline): Uncertain significance. Review status: criteria provided, multiple submitters, no conflicts (2 of 4 stars). 2 submissions from 2 submitters: Uncertain significance (2). Last evaluated 2025-10-01.

Allele frequency attached by ClinVar (database versions not stated): TOPMed 0.00002; ExAC 0.00004; gnomAD 0.00004 and 0.00005; gnomAD exomes 0.00004 and 0.00008; ESP Exome Variant Server 0.00019.
gnomAD v4.1: 90 of 1,179,098 alleles (0.0076%); highest among the groups gnomAD compares: Non-Finnish European, 0.0099%; no homozygotes.

Submissions (2):

Labcorp Genetics (formerly Invitae), Labcorp
Classification: Uncertain significance. Last evaluated: 2025-10-01. Review status: criteria provided, single submitter. Criteria: Invitae Variant Classification Sherloc (09022015). Collection method: clinical testing. Allele origin: germline.
Comment: This sequence change replaces proline, which is neutral and non-polar, with histidine, which is basic and polar, at codon 677 of the COL4A6 protein (p.Pro677His). This variant is present in population databases (rs373883169, gnomAD 0.008%). This variant has not been reported in the literature in individuals affected with COL4A6-related conditions. ClinVar contains an entry for this variant (Variation ID: 1445583). Invitae Evidence Modeling of protein sequence and biophysical properties (such as structural, functional, and spatial information, amino acid conservation, physicochemical variation, residue mobility, and thermodynamic stability) indicates that this missense variant is not expected to disrupt COL4A6 protein function with a negative predictive value of 80%. In summary, the available evidence is currently insufficient to determine the role of this variant in disease. Therefore, it has been classified as a Variant of Uncertain Significance.

Ambry Genetics
Classification: Uncertain significance. Last evaluated: 2024-01-03. Review status: criteria provided, single submitter. Criteria: Ambry Variant Classification Scheme 2023. Collection method: clinical testing. Allele origin: germline.